The following is an entry in ClinVar:

ClinVar aggregate classification (germline): Likely pathogenic (1 of 4 stars; one submission).

Conditions:
Usher syndrome type 1 (USH1). Also called: RETINITIS PIGMENTOSA AND CONGENITAL DEAFNESS. Identifiers: Orphanet 231169, Orphanet 886, MedGen C1568247, MONDO:0010168, OMIM 276900.

Submission:

Myriad Genetics, Inc.
Classification: Likely pathogenic for Usher syndrome type 1. Last evaluated: 2021-12-30. Review status: criteria provided, single submitter. Criteria: Myriad Women's Health Autosomal Recessive and X-Linked Classification Criteria (2021). Collection method: clinical testing. Allele origin: unknown.
Comment: NM_000260.3(MYO7A):c.5179A>T(K1727*) is expected to be pathogenic in the context of MYO7A-related disorders. This variant is predicted to lead to an abnormal or absent protein product due to the creation of a premature termination codon in MYO7A, a gene where loss-of-function variants are known to be pathogenic. Please note: this variant was assessed in the context of healthy population screening.

NM_000260.4(MYO7A):c.5179A>T (p.Lys1727Ter)

Gene: MYO7A (myosin VIIA; plus strand). Cytogenetic location: 11q13.5.
Variant type: single nucleotide variant.
Coding change: c.5179A>T on transcript NM_000260.4 (MANE Select); coding-DNA position 5179, A replaced by T.
Protein change: p.Lys1727Ter; replaces lysine 1727 with a stop codon.
Molecular consequence: nonsense.
Genome position (GRCh38, 1-based): chr11:77,203,070, A>T. VCF-style: chr11-77203070-A-T. GRCh37 (hg19) VCF-style: chr11-76914115-A-T.
Other names: c.5065A>T, p.Lys1689Ter (NM_001127180.2); c.5032A>T, p.Lys1678Ter (NM_001369365.1); short protein forms K1678*, K1689*, K1727*.
Identifiers: ClinVar variation 1726645 (VCV001726645.2), dbSNP rs1187644045, ClinGen allele CA381951997.